The following is an entry in ClinVar:

NM_001042492.3(NF1):c.8249C>T (p.Thr2750Ile)

Gene: NF1 (neurofibromin 1; plus strand). Cytogenetic location: 17q11.2.
Variant type: single nucleotide variant.
Coding change: c.8249C>T on transcript NM_001042492.3 (MANE Select); coding-DNA position 8249, C replaced by T.
Protein change: p.Thr2750Ile; replaces threonine 2750 with isoleucine.
Molecular consequence: missense variant.
Genome position (GRCh38, 1-based): chr17:31,360,575, C>T. VCF-style: chr17-31360575-C-T. GRCh37 (hg19) VCF-style: chr17-29687593-C-T.
Other names: c.8186C>T, p.Thr2729Ile (NM_000267.4); short protein forms T2750I, T2729I.
Identifiers: ClinVar variation 1762328 (VCV001762328.6), dbSNP rs2070374835, ClinGen allele CA399204672.

ClinVar aggregate classification (germline): Conflicting classifications of pathogenicity. Review status: criteria provided, conflicting classifications (1 of 4 stars). 2 submissions from 2 submitters: Uncertain significance (1); Likely benign (1). Last evaluated 2026-04-16.

Conditions:
Cardiovascular phenotype. Identifiers: MedGen CN230736.
Hereditary cancer-predisposing syndrome. Also called: Neoplastic Syndromes, Hereditary; Tumor predisposition; Hereditary Cancer Syndrome; Hereditary neoplastic syndrome. Identifiers: Orphanet 140162, MedGen C0027672, MeSH D009386, MONDO:0015356.
Neurofibromatosis, type 1 (NF1). Also called: Peripheral type neurofibromatosis; NEUROFIBROMATOSIS, TYPE I, SOMATIC; Neurofibromatosis, type I; VON RECKLINGHAUSEN DISEASE. Identifiers: Orphanet 636, MedGen C0027831, MONDO:0018975, OMIM 162200. Disease mechanism: loss of function.

Allele frequency attached by ClinVar (database versions not stated): gnomAD exomes below 0.00001.
gnomAD v4.1: 1 of 1,614,046 alleles (0.000062%); highest among the groups gnomAD compares: Non-Finnish European, 0.000085%; no homozygotes.

Submissions (2):

Ambry Genetics
Classification: Likely benign for Cardiovascular phenotype; Hereditary cancer-predisposing syndrome. Last evaluated: 2026-04-16. Review status: criteria provided, single submitter. Criteria: Ambry Variant Classification Scheme 2023. Collection method: clinical testing. Allele origin: germline.

Labcorp Genetics (formerly Invitae), Labcorp
Classification: Uncertain significance for Neurofibromatosis, type 1. Last evaluated: 2023-04-15. Review status: criteria provided, single submitter. Criteria: Invitae Variant Classification Sherloc (09022015). Collection method: clinical testing. Allele origin: germline.
Comment: ClinVar contains an entry for this variant (Variation ID: 1762328). This variant has not been reported in the literature in individuals affected with NF1-related conditions. This variant is not present in population databases (gnomAD no frequency). This sequence change replaces threonine, which is neutral and polar, with isoleucine, which is neutral and non-polar, at codon 2729 of the NF1 protein (p.Thr2729Ile). In summary, the available evidence is currently insufficient to determine the role of this variant in disease. Therefore, it has been classified as a Variant of Uncertain Significance. Advanced modeling of protein sequence and biophysical properties (such as structural, functional, and spatial information, amino acid conservation, physicochemical variation, residue mobility, and thermodynamic stability) performed at Invitae indicates that this missense variant is not expected to disrupt NF1 protein function.